The following is an entry in ClinVar:

NM_005529.7(HSPG2):c.8017C>T (p.Arg2673Ter)

Gene: HSPG2 (heparan sulfate proteoglycan 2; minus strand). Cytogenetic location: 1p36.12.
Variant type: single nucleotide variant.
Coding change: c.8017C>T on transcript NM_005529.7 (MANE Select); coding-DNA position 8017, C replaced by T.
Protein change: p.Arg2673Ter; replaces arginine 2673 with a stop codon.
Molecular consequence: nonsense.
Genome position (GRCh38, 1-based): chr1:21,847,697, G>A on the plus strand (C>T on the coding strand, the complement: HSPG2 is on the minus strand). VCF-style: chr1-21847697-G-A. GRCh37 (hg19) VCF-style: chr1-22174190-G-A.
Other names: c.8020C>T, p.Arg2674Ter (NM_001291860.2); short protein forms R2673*, R2674*.
Identifiers: ClinVar variation 1075683 (VCV001075683.13), dbSNP rs745338204, ClinGen allele CA670976.
Genomic context (GRCh38, chr1:21,847,697, plus strand): 5'-TCACCCCAGGAGACCATGGTTCCACCCCCGCTGCTGTGGCTCCACTCTGTACCTGGTGTC[G>A]GGAGGGAAGGCTGCCCCCACGCTTGTACCATGTGATGATAGCCTGGGGCTGCCTGGCGAC-3'

ClinVar aggregate classification (germline): Pathogenic/Likely pathogenic. Review status: criteria provided, multiple submitters, no conflicts (2 of 4 stars). 2 submissions from 2 submitters: Pathogenic (1); Likely pathogenic (1). Last evaluated 2026-01-14.

Allele frequency attached by ClinVar (database versions not stated): gnomAD exomes 0.00001; ExAC 0.00002; TOPMed 0.00003.

Submissions (2):

Labcorp Genetics (formerly Invitae), Labcorp
Classification: Pathogenic. Last evaluated: 2026-01-14. Review status: criteria provided, single submitter. Criteria: Invitae Variant Classification Sherloc (09022015). Collection method: clinical testing. Allele origin: germline.
Comment: This sequence change creates a premature translational stop signal (p.Arg2673*) in the HSPG2 gene. It is expected to result in an absent or disrupted protein product. Loss-of-function variants in HSPG2 are known to be pathogenic (PMID: 11279527, 16927315, 20542149, 23836246). This variant is present in population databases (rs745338204, gnomAD 0.003%). This variant has not been reported in the literature in individuals affected with HSPG2-related conditions. ClinVar contains an entry for this variant (Variation ID: 1075683). Algorithms developed to predict the effect of sequence changes on RNA splicing suggest that this variant may disrupt the consensus splice site. For these reasons, this variant has been classified as Pathogenic.

ARUP Laboratories, Molecular Genetics and Genomics, ARUP Laboratories
Classification: Likely pathogenic. Last evaluated: 2021-03-20. Review status: criteria provided, single submitter. Criteria: ARUP Molecular Germline Variant Investigation Process 2021. Collection method: clinical testing. Allele origin: germline.
Comment: The HSPG2 c.8017C>T; p.Arg2673Ter variant (rs745338204), to our knowledge, is not reported in the medical literature or gene-specific databases. This variant is found on only four chromosomes (4/269232 alleles) in the Genome Aggregation Database. This variant induces an early termination codon and is predicted to result in a truncated protein or mRNA subject to nonsense-mediated decay. HSPG2 loss-of-function is a known mechanism of disease, and truncating variants downstream of p.Arg2673Ter have been reported in individuals with HSPG2-associated skeletal dysplasias (Arikawa-Hirasawa 2001, Stum 2006). Based on available information, the p.Arg2673Ter variant is considered to be likely pathogenic. References: Arikawa-Hirasawa E et al. Dyssegmental dysplasia, Silverman-Handmaker type, is caused by functional null mutations of the perlecan gene. Nat Genet. 2001 Apr;27(4):431-4. Stum M et al. Spectrum of HSPG2 (Perlecan) mutations in patients with Schwartz-Jampel syndrome. Hum Mutat. 2006 Nov;27(11):1082-91.

Literature cited by the submitters: PubMed 11279527 (cited by Labcorp Genetics (formerly Invitae), Labcorp); PubMed 16927315 (cited by Labcorp Genetics (formerly Invitae), Labcorp); PubMed 20542149 (cited by Labcorp Genetics (formerly Invitae), Labcorp); PubMed 23836246 (cited by Labcorp Genetics (formerly Invitae), Labcorp).